The following is an entry in ClinVar:

ClinVar aggregate classification (germline): Uncertain significance (1 of 4 stars; one submission).

Submission:

Labcorp Genetics (formerly Invitae), Labcorp
Classification: Uncertain significance. Last evaluated: 2022-08-31. Review status: criteria provided, single submitter. Criteria: Invitae Variant Classification Sherloc (09022015). Collection method: clinical testing. Allele origin: germline.
Comment: In summary, the available evidence is currently insufficient to determine the role of this variant in disease. Therefore, it has been classified as a Variant of Uncertain Significance. Algorithms developed to predict the effect of missense changes on protein structure and function are either unavailable or do not agree on the potential impact of this missense change (SIFT: "Tolerated"; PolyPhen-2: "Possibly Damaging"; Align-GVGD: "Class C0"). This variant has not been reported in the literature in individuals affected with AIMP1-related conditions. This variant is not present in population databases (gnomAD no frequency). This sequence change replaces glutamic acid, which is acidic and polar, with glutamine, which is neutral and polar, at codon 23 of the AIMP1 protein (p.Glu23Gln).

NM_001142416.2(AIMP1):c.67G>C (p.Glu23Gln)

Gene: AIMP1 (aminoacyl tRNA synthetase complex interacting multifunctional protein 1; plus strand). Cytogenetic location: 4q24.
Variant type: single nucleotide variant.
Coding change: c.67G>C on transcript NM_001142416.2 (MANE Select); coding-DNA position 67, G replaced by C.
Protein change: p.Glu23Gln; replaces glutamic acid 23 with glutamine.
Molecular consequence: missense variant.
Genome position (GRCh38, 1-based): chr4:106,325,076, G>C. VCF-style: chr4-106325076-G-C. GRCh37 (hg19) VCF-style: chr4-107246233-G-C.
Other names: c.67G>C, p.Glu23Gln (NM_001142415.2, NM_004757.4); short protein forms E23Q.
Identifiers: ClinVar variation 2008274 (VCV002008274.4), dbSNP rs2476178965, ClinGen allele CA357972486.